The following is an entry in ClinVar:

ClinVar aggregate classification (germline): Likely pathogenic (1 of 4 stars; one submission).

Conditions:
Hearing loss, autosomal recessive 57. Also called: DEAFNESS, AUTOSOMAL RECESSIVE 57. Identifiers: MedGen C4693893, MONDO:0033201, OMIM 618003.
Usher syndrome type 2C. Also called: Usher syndrome, type 2B; USHER SYNDROME, TYPE IIC. Identifiers: Orphanet 231178, Orphanet 886, MedGen C2931213, MONDO:0011558, OMIM 605472.
Usher syndrome type 2A. Also called: RETINAL DISEASE IN USHER SYNDROME TYPE IIA, MODIFIER OF; USHER SYNDROME, TYPE IIA. Identifiers: Orphanet 231178, Orphanet 886, MedGen C1848634, MONDO:0010169, OMIM 276901.

Submission:

Juno Genomics, Hangzhou Juno Genomics, Inc
Classification: Likely pathogenic for Usher syndrome type 2C; Usher syndrome type 2A; Hearing loss, autosomal recessive 57. Review status: criteria provided, single submitter. Criteria: ACMG Guidelines, 2015. Collection method: clinical testing. Allele origin: germline.
Comment: Null variant in a gene where loss of function (LOF) is a known mechanism of disease.;Absent from controls (or at extremely low frequency if recessive) in Genome Aggregation Database.

NM_001195263.2(PDZD7):c.1843_1849dup

Gene: PDZD7 (PDZ domain containing 7; minus strand). Cytogenetic location: 10q24.31.
Variant type: Duplication.
Coding change: c.1843_1849dup on transcript NM_001195263.2 (MANE Select); coding-DNA positions 1843 to 1849, 7 bases duplicated (AGTGTGG; older notation c.1843_1849dupAGTGTGG).
Molecular consequence: splice acceptor variant.
Genome position (GRCh38, 1-based): chr10:101,012,009-101,012,015, CCACACT duplicated on the plus strand (AGTGTGG on the coding strand, the reverse complement: PDZD7 is on the minus strand); duplicating any 7 consecutive bases within chr10:101,012,009-101,012,017 gives the same sequence; the c. name uses the placement nearest the transcript's 3' end. VCF-style (leftmost placement, unchanged base first): chr10-101012008-A-ACCACACT. GRCh37 (hg19) VCF-style: chr10-102771765-A-ACCACACT.
Identifiers: ClinVar variation 5007439 (VCV005007439.2).
Genomic context (GRCh38, chr10:101,012,008, plus strand): 5'-AAAGCCTCCAGCTCCACAAGCATCACCATGCTGTCGAAGCGGCCCAGGTCTGTGGGGGCC[A>ACCACACT]CCACACTCCTGGGAGAGGGCGAGAGACAGCAGGGGTGGGAGGGGCAGGCAGGATTTCAGT-3'